The following is an entry in ClinVar:

NM_001256012.3(MYH10):c.4822G>A (p.Glu1608Lys)

Gene: MYH10 (myosin heavy chain 10; minus strand). Cytogenetic location: 17p13.1.
Variant type: single nucleotide variant.
Coding change: c.4822G>A on transcript NM_001256012.3 (MANE Select); coding-DNA position 4822, G replaced by A.
Protein change: p.Glu1608Lys; replaces glutamic acid 1608 with lysine.
Molecular consequence: missense variant.
Genome position (GRCh38, 1-based): chr17:8,490,402, C>T on the plus strand (G>A on the coding strand, the complement: MYH10 is on the minus strand). VCF-style: chr17-8490402-C-T. GRCh37 (hg19) VCF-style: chr17-8393720-C-T.
Other names: c.4756G>A, p.Glu1586Lys (NM_001256095.2); c.4759G>A, p.Glu1587Lys (NM_001375266.1); c.4729G>A, p.Glu1577Lys (NM_005964.5); short protein forms E1577K, E1586K, E1587K, E1608K.
Identifiers: ClinVar variation 4279748 (VCV004279748.2).

ClinVar aggregate classification (germline): Uncertain significance. Review status: criteria provided, single submitter (1 of 4 stars). 2 submissions from 1 submitter: Uncertain significance (2). Last evaluated 2026-02-12.

Conditions:
MYH10-related disorder. Also called: MYH10-related condition.
MYH10-related neurodevelopmental disorder.

gnomAD v4.1: 11 of 1,614,180 alleles (0.00068%); highest among the groups gnomAD compares: Admixed American, 0.0017%; no homozygotes.

Submissions (2):

Clinical Genomics Laboratory, Washington University in St. Louis
Classification: Uncertain significance for MYH10-related disorder. Last evaluated: 2026-02-12. Review status: criteria provided, single submitter. Criteria: ACMG Guidelines, 2015. Collection method: clinical testing. Allele origin: germline.
Comment: The MYH10 c.4822G>A (p.Glu1608Lys) variant, to our knowledge, has not been reported in the medical literature and is only observed in 1/251,480 alleles in the general population (gnomAD v.2.1.1), indicating it is not a common variant. Computational predictors indicate that the variant is damaging, evidence that correlates with impact on MYH10 function. Due to limited information, and based on ACMG/AMP guidelines for variant interpretation (Richards S et al., PMID: 25741868), the clinical significance of this variant is uncertain at this time.

Clinical Genomics Laboratory, Washington University in St. Louis
Classification: Uncertain significance for MYH10-related neurodevelopmental disorder. Last evaluated: 2025-05-08. Review status: criteria provided, single submitter. Criteria: ACMG Guidelines, 2015. Collection method: clinical testing. Allele origin: germline.
Comment: The MYH10 c.4822G>A (p.Glu1608Lys) variant, to our knowledge, has not been reported in the medical literature and is only observed on 1/251,480 alleles in the general population (gnomAD v.2.1.1), indicating it is not a common variant. Computational predictors indicate that the variant is damaging, evidence that correlates with impact on MYH10 function. Due to limited information, and based on ACMG/AMP guidelines for variant interpretation (Richards S et al., PMID: 25741868), the clinical significance of this variant is uncertain at this time.

Literature cited by the submitters: PubMed 35980381.